The following is an entry in ClinVar:

ClinVar aggregate classification (germline): Uncertain significance. Review status: reviewed by expert panel (3 of 4 stars). 2 submissions from 2 submitters: Uncertain significance (1). 1 of the submissions does not count toward it. Last evaluated 2024-01-23.

Conditions:
Severe combined immunodeficiency due to DCLRE1C deficiency (RS-SCID). Also called: SCID, AUTOSOMAL RECESSIVE, T CELL-NEGATIVE, B CELL-NEGATIVE, NK CELL-POSITIVE, WITH SENSITIVITY TO IONIZING RADIATION. Identifiers: Orphanet 275, MedGen C1865371, MONDO:0011225, OMIM 602450.

Allele frequency attached by ClinVar (database versions not stated): TOPMed below 0.00001; gnomAD exomes below 0.00001.
gnomAD v4.1: 2 of 1,614,062 alleles (0.00012%); highest among the groups gnomAD compares: Non-Finnish European, 0.00017%; no homozygotes.

Submissions (2):

ClinGen Severe Combined Immunodeficiency Variant Curation Expert Panel, ClinGen
Classification: Uncertain significance for Severe combined immunodeficiency due to DCLRE1C deficiency. Last evaluated: 2024-01-23. Review status: reviewed by expert panel. Criteria: ClinGen SCID ACMG Specifications DCLRE1C V1.0.0. Collection method: curation. Allele origin: germline. Inheritance: Autosomal recessive inheritance.
Comment: The c.53G>A (NM_001033855.3) variant in DCLRE1C is a missense variant predicted to cause the substitution of Arginine by Histidine at amino acid 18 (p.Arg18His). The filtering allele frequency (the upper threshold of the 95% CI of 2/761900 alleles) of the c.53G>A variant in DCLRE1C is 0.00000044 for European (non-Finnish) chromosomes by gnomAD v4, which is lower than the ClinGen SCID VCEP threshold (<0.00003266) for PM2_Supporting, and therefore meets this criterion (PM2_Supporting). To our knowledge, this variant has not been reported in the literature in individuals affected with DCLRE1c-related conditions or in functional studies. Due to insufficient evidence, this variant is classified as a variant of uncertain significance for autosomal recessive SCID based on ACMG/AMP criteria applied, as specified by the ClinGen SCID VCEP (specification version 1.0): PM2_Supporting.

Labcorp Genetics (formerly Invitae), Labcorp
Classification: Uncertain significance for Athabaskan severe combined immunodeficiency. Last evaluated: 2019-12-11. Review status: criteria provided, single submitter. Criteria: Invitae Variant Classification Sherloc (09022015). Collection method: clinical testing. Allele origin: germline. Not counted in ClinVar's aggregate classification.
Comment: Algorithms developed to predict the effect of missense changes on protein structure and function are either unavailable or do not agree on the potential impact of this missense change (SIFT: "Deleterious"; PolyPhen-2: "Probably Damaging"; Align-GVGD: "Class C0"). This variant has not been reported in the literature in individuals with DCLRE1C-related conditions. This variant is not present in population databases (ExAC no frequency). This sequence change replaces arginine with histidine at codon 18 of the DCLRE1C protein (p.Arg18His). The arginine residue is highly conserved and there is a small physicochemical difference between arginine and histidine. In summary, the available evidence is currently insufficient to determine the role of this variant in disease. Therefore, it has been classified as a Variant of Uncertain Significance.

NM_001033855.3(DCLRE1C):c.53G>A (p.Arg18His)

Gene: DCLRE1C (DNA cross-link repair 1C; minus strand). Cytogenetic location: 10p13.
Variant type: single nucleotide variant.
Coding change: c.53G>A on transcript NM_001033855.3 (MANE Select); coding-DNA position 53, G replaced by A.
Protein change: p.Arg18His; replaces arginine 18 with histidine.
Molecular consequence: missense variant. On other transcripts: 5 prime UTR variant (9), non-coding transcript variant (4).
Genome position (GRCh38, 1-based): chr10:14,953,958, C>T on the plus strand (G>A on the coding strand, the complement: DCLRE1C is on the minus strand). VCF-style: chr10-14953958-C-T. GRCh37 (hg19) VCF-style: chr10-14995957-C-T.
Other names: NM_001033855.3(DCLRE1C):c.53G>A; p.Arg18His; c.-393G>A (NM_001033857.3, NM_001350967.2); c.-715G>A (NM_001033858.3); c.-152G>A (NM_001289076.2); c.-439G>A (NM_001289077.2); c.-185G>A (NM_001289078.2, NM_001350966.2); c.-761G>A (NM_001289079.2); and 2 more; short protein forms R18H.
Identifiers: ClinVar variation 841042 (VCV000841042.10), dbSNP rs1842830903, ClinGen allele CA376065915.
Genomic context (GRCh38, chr10:14,953,958, plus strand): 5'-TCACCTTTGTGGCAGTGGGACAGGAAGTAGGCGCGGGCCCTCAGGTTCTCCCTATCGAAG[C>T]GGTCTATGGAGATAGTTGGATACTCGGCCATCTGCCCCTCGAAAGAACTCATAGCGCCGC-3'
Protein context (NP_001029027.1, residues 8-28): MAEYPTISID[Arg18His]FDRENLRARA